The following is an entry in ClinVar:

ClinVar aggregate classification (germline): Uncertain significance (1 of 4 stars; one submission).

Submission:

Labcorp Genetics (formerly Invitae), Labcorp
Classification: Uncertain significance. Last evaluated: 2024-01-31. Review status: criteria provided, single submitter. Criteria: Invitae Variant Classification Sherloc (09022015). Collection method: clinical testing. Allele origin: germline.
Comment: This sequence change replaces glycine, which is neutral and non-polar, with alanine, which is neutral and non-polar, at codon 802 of the FGFR3 protein (p.Gly802Ala). This variant is not present in population databases (gnomAD no frequency). This variant has not been reported in the literature in individuals affected with FGFR3-related conditions. Advanced modeling of protein sequence and biophysical properties (such as structural, functional, and spatial information, amino acid conservation, physicochemical variation, residue mobility, and thermodynamic stability) has been performed at Invitae for this missense variant, however the output from this modeling did not meet the statistical confidence thresholds required to predict the impact of this variant on FGFR3 protein function. In summary, the available evidence is currently insufficient to determine the role of this variant in disease. Therefore, it has been classified as a Variant of Uncertain Significance.

NM_000142.5(FGFR3):c.2405G>C (p.Gly802Ala)

Gene: FGFR3 (fibroblast growth factor receptor 3; plus strand). Cytogenetic location: 4p16.3.
Variant type: single nucleotide variant.
Coding change: c.2405G>C on transcript NM_000142.5 (MANE Select); coding-DNA position 2405, G replaced by C.
Protein change: p.Gly802Ala; replaces glycine 802 with alanine.
Molecular consequence: missense variant. On other transcripts: non-coding transcript variant (1).
Genome position (GRCh38, 1-based): chr4:1,807,246, G>C. VCF-style: chr4-1807246-G-C. GRCh37 (hg19) VCF-style: chr4-1808973-G-C.
Other names: c.2411G>C, p.Gly804Ala (NM_001163213.2); c.2408G>C, p.Gly803Ala (NM_001354809.2); c.2337G>C, p.Trp779Cys (NM_001354810.2); c.2069G>C, p.Gly690Ala (NM_022965.4); short protein forms G690A, G802A, G804A, W779C, G803A.
Identifiers: ClinVar variation 3636999 (VCV003636999.2).